The following is an entry in ClinVar:

ClinVar aggregate classification (germline): Uncertain significance (1 of 4 stars; one submission).

Conditions:
Gastrointestinal stromal tumor. Also called: Gastrointestinal stromal tumor, somatic; Gastrointestinal stroma tumor. Identifiers: Orphanet 44890, MedGen C0238198, MeSH D046152, MONDO:0011719, OMIM 606764, HP:0100723.

Submission:

Labcorp Genetics (formerly Invitae), Labcorp
Classification: Uncertain significance for Gastrointestinal stromal tumor. Last evaluated: 2024-06-15. Review status: criteria provided, single submitter. Criteria: Invitae Variant Classification Sherloc (09022015). Collection method: clinical testing. Allele origin: germline.
Comment: This sequence change replaces tryptophan, which is neutral and slightly polar, with leucine, which is neutral and non-polar, at codon 247 of the PDGFRA protein (p.Trp247Leu). This variant is not present in population databases (gnomAD no frequency). This variant has not been reported in the literature in individuals affected with PDGFRA-related conditions. Advanced modeling of protein sequence and biophysical properties (such as structural, functional, and spatial information, amino acid conservation, physicochemical variation, residue mobility, and thermodynamic stability) performed at Invitae indicates that this missense variant is expected to disrupt PDGFRA protein function with a positive predictive value of 80%. In summary, the available evidence is currently insufficient to determine the role of this variant in disease. Therefore, it has been classified as a Variant of Uncertain Significance.

NM_006206.6(PDGFRA):c.740G>T (p.Trp247Leu)

Gene: PDGFRA (platelet derived growth factor receptor alpha; plus strand). Cytogenetic location: 4q12.
Variant type: single nucleotide variant.
Coding change: c.740G>T on transcript NM_006206.6 (MANE Select); coding-DNA position 740, G replaced by T.
Protein change: p.Trp247Leu; replaces tryptophan 247 with leucine.
Molecular consequence: missense variant.
Genome position (GRCh38, 1-based): chr4:54,265,030, G>T. VCF-style: chr4-54265030-G-T. GRCh37 (hg19) VCF-style: chr4-55131197-G-T.
Other names: c.740G>T, p.Trp247Leu (NM_001347827.2, NM_001347829.2); c.815G>T, p.Trp272Leu (NM_001347828.2); c.779G>T, p.Trp260Leu (NM_001347830.2); short protein forms W247L, W260L, W272L.
Identifiers: ClinVar variation 3656685 (VCV003656685.2).